The following is an entry in ClinVar:

ClinVar aggregate classification (germline): Uncertain significance (1 of 4 stars; one submission).

Submission:

Labcorp Genetics (formerly Invitae), Labcorp
Classification: Uncertain significance. Last evaluated: 2022-06-13. Review status: criteria provided, single submitter. Criteria: Invitae Variant Classification Sherloc (09022015). Collection method: clinical testing. Allele origin: germline.
Comment: In summary, the available evidence is currently insufficient to determine the role of this variant in disease. Therefore, it has been classified as a Variant of Uncertain Significance. Experimental studies and prediction algorithms are not available or were not evaluated, and the functional significance of this variant is currently unknown. This variant has not been reported in the literature in individuals affected with TOPORS-related conditions. Information on the frequency of this variant in the gnomAD database is not available, as this variant may be reported differently in the database. This sequence change replaces threonine, which is neutral and polar, with proline, which is neutral and non-polar, at codon 205 of the TOPORS protein (p.Thr205Pro).

NM_005802.5(TOPORS):c.612_613delinsTC (p.Thr205Pro)

Gene: TOPORS (TOP1 binding arginine/serine rich protein, E3 ubiquitin ligase; minus strand). Cytogenetic location: 9p21.1.
Variant type: Indel.
Coding change: c.612_613delinsTC on transcript NM_005802.5 (MANE Select); coding-DNA positions 612 to 613, AA replaced by TC.
Protein change: p.Thr205Pro; replaces threonine 205 with proline.
Molecular consequence: missense variant.
Genome position (GRCh38, 1-based): chr9:32,543,912-32,543,913, TT replaced by GA on the plus strand (AA replaced by TC on the coding strand, the reverse complement: TOPORS is on the minus strand). VCF-style: chr9-32543912-TT-GA. GRCh37 (hg19) VCF-style: chr9-32543910-TT-GA.
Other names: c.417_418delinsTC, p.Thr140Pro (NM_001195622.2); short protein forms T205P, T140P.
Identifiers: ClinVar variation 1438521 (VCV001438521.6), dbSNP rs2118969251, ClinGen allele CA2573144541.
Genomic context (GRCh38, chr9:32,543,912, plus strand): 5'-CATCTCTAGGTCTTGTTGAAATGCCTAACCCTTCAAACAGTACTCCACTATCCGGTGGAG[TT>GA]GTTGTTCTTCTGTTCACAGGACCACTAGGTGAATACACAGAAGCATTTCGTTCCCTTGTC-3'
Protein context (NP_005793.2, residues 195-215): PSGPVNRRTT[Thr205Pro]PPDSGVLFEG